The following is an entry in ClinVar:

ClinVar aggregate classification (germline): Conflicting classifications of pathogenicity. Review status: criteria provided, conflicting classifications (1 of 4 stars). 2 submissions from 2 submitters: Likely pathogenic (1); Uncertain significance (1). Last evaluated 2025-03-19.

Conditions:
Bardet-Biedl syndrome 10 (BBS10). Identifiers: Orphanet 110, MedGen C1859568, MONDO:0014438, OMIM 615987.

Allele frequency attached by ClinVar (database versions not stated): gnomAD exomes below 0.00001.

Submissions (2):

Natera, Inc.
Classification: Likely pathogenic for Bardet-Biedl syndrome type 10. Last evaluated: 2025-03-19. Review status: criteria provided, single submitter. Criteria: Natera Variant Classification Schema (03/2026). Collection method: clinical testing. Allele origin: germline.
Comment: The c.992T>C variant in BBS10 is a missense variant predicted to cause substitution of valine to alanine at amino acid 331. This variant is rare in the general population with a frequency below the threshold expected for the associated phenotype(s). This variant has been observed in one or more individuals affected with the associated recessive disease, as either homozygous or compound heterozygous with a second variant (PMID: 35835773). Computational prediction algorithms indicate this variant is likely to affect gene or protein function. Given the available evidence, this variant is classified as Likely Pathogenic.

Women's Health and Genetics/Laboratory Corporation of America, LabCorp
Classification: Uncertain significance. Last evaluated: 2024-07-03. Review status: criteria provided, single submitter. Criteria: LabCorp Variant Classification Summary - May 2015. Collection method: clinical testing. Allele origin: germline.
Comment: Variant summary: BBS10 c.992T>C (p.Val331Ala) results in a non-conservative amino acid change in the encoded protein sequence. Five of five in-silico tools predict a damaging effect of the variant on protein function. The variant was absent in 249524 control chromosomes. c.992T>C has been reported in the literature in the compound heterozygous and presumed compound heterozygous states in at least 2 individuals affected with Bardet-Biedl Syndrome (example, Alvarez-Satta_2014, Castro-Sanchez_2015). These data indicate that the variant may be associated with disease. To our knowledge, no experimental evidence demonstrating an impact on protein function has been reported. The following publications have been ascertained in the context of this evaluation (PMID: 24611592, 26082521, 35835773). ClinVar contains an entry for this variant (Variation ID: 2679978). Based on the evidence outlined above, the variant was classified as VUS-possibly pathogenic.

Literature cited by the submitters: PubMed 35835773 (cited by Natera, Inc. and Women's Health and Genetics/Laboratory Corporation of America, LabCorp); PubMed 24611592 (cited by Women's Health and Genetics/Laboratory Corporation of America, LabCorp); PubMed 26082521 (cited by Women's Health and Genetics/Laboratory Corporation of America, LabCorp).

NM_024685.4(BBS10):c.992T>C (p.Val331Ala)

Gene: BBS10 (Bardet-Biedl syndrome 10; minus strand). Cytogenetic location: 12q21.2.
Variant type: single nucleotide variant.
Coding change: c.992T>C on transcript NM_024685.4 (MANE Select); coding-DNA position 992, T replaced by C.
Protein change: p.Val331Ala; replaces valine 331 with alanine.
Molecular consequence: missense variant.
Genome position (GRCh38, 1-based): chr12:76,346,993, A>G on the plus strand (T>C on the coding strand, the complement: BBS10 is on the minus strand). VCF-style: chr12-76346993-A-G. GRCh37 (hg19) VCF-style: chr12-76740773-A-G.
Other names: c.992T>C (NM_024685.3); short protein forms V331A.
Identifiers: ClinVar variation 2679978 (VCV002679978.4), dbSNP rs2540956270, ClinGen allele CA385813253.